The following is an entry in ClinVar:

NM_004168.4(SDHA):c.1553C>T (p.Ser518Leu)

Gene: SDHA (succinate dehydrogenase complex flavoprotein subunit A; plus strand). Cytogenetic location: 5p15.33.
Variant type: single nucleotide variant.
Coding change: c.1553C>T on transcript NM_004168.4 (MANE Select); coding-DNA position 1553, C replaced by T.
Protein change: p.Ser518Leu; replaces serine 518 with leucine.
Molecular consequence: missense variant. On other transcripts: intron variant (1).
Genome position (GRCh38, 1-based): chr5:250,993, C>T. VCF-style: chr5-250993-C-T. GRCh37 (hg19) VCF-style: chr5-251108-C-T.
Other names: c.1553C>T (NM_004168.2); c.1409C>T, p.Ser470Leu (NM_001294332.2); c.1552-3400C>T (NM_001330758.2); short protein forms S518L, S470L.
Identifiers: ClinVar variation 1365159 (VCV001365159.7), dbSNP rs2126631937, ClinGen allele CA358998408.

ClinVar aggregate classification (germline): Uncertain significance. Review status: criteria provided, multiple submitters, no conflicts (2 of 4 stars). 2 submissions from 2 submitters: Uncertain significance (2). Last evaluated 2024-01-30.

Conditions:
Mitochondrial complex II deficiency, nuclear type 1. Also called: SUCCINATE CoQ REDUCTASE DEFICIENCY. Identifiers: Orphanet 3208, MedGen C5700310, MONDO:0100294, OMIM 252011.
Pheochromocytoma/paraganglioma syndrome 5. Also called: Paragangliomas 5; SDHA-Related Hereditary Paraganglioma-Pheochromocytoma Syndrome. Identifiers: Orphanet 29072, MedGen C3279992, MONDO:0013602, OMIM 614165.
Hereditary cancer-predisposing syndrome. Also called: Tumor predisposition; Hereditary Cancer Syndrome; Hereditary neoplastic syndrome; Neoplastic Syndromes, Hereditary. Identifiers: Orphanet 140162, MedGen C0027672, MeSH D009386, MONDO:0015356.

Submissions (2):

Ambry Genetics
Classification: Uncertain significance for Hereditary cancer-predisposing syndrome. Last evaluated: 2024-01-30. Review status: criteria provided, single submitter. Criteria: Ambry Variant Classification Scheme 2023. Collection method: clinical testing. Allele origin: germline.
Comment: The p.S518L variant (also known as c.1553C>T), located in coding exon 12 of the SDHA gene, results from a C to T substitution at nucleotide position 1553. The serine at codon 518 is replaced by leucine, an amino acid with dissimilar properties. This amino acid position is conserved. In addition, this alteration is predicted to be tolerated by in silico analysis. Based on the available evidence, the clinical significance of this alteration remains unclear.

Labcorp Genetics (formerly Invitae), Labcorp
Classification: Uncertain significance for Pheochromocytoma/paraganglioma syndrome 5; Mitochondrial complex II deficiency, nuclear type 1. Last evaluated: 2022-02-04. Review status: criteria provided, single submitter. Criteria: Invitae Variant Classification Sherloc (09022015). Collection method: clinical testing. Allele origin: germline.
Comment: This sequence change replaces serine, which is neutral and polar, with leucine, which is neutral and non-polar, at codon 518 of the SDHA protein (p.Ser518Leu). In summary, the available evidence is currently insufficient to determine the role of this variant in disease. Therefore, it has been classified as a Variant of Uncertain Significance. Algorithms developed to predict the effect of missense changes on protein structure and function are either unavailable or do not agree on the potential impact of this missense change (SIFT: "Deleterious"; PolyPhen-2: "Benign"; Align-GVGD: "Class C0"). This variant has not been reported in the literature in individuals affected with SDHA-related conditions. This variant is not present in population databases (gnomAD no frequency).